The following is an entry in ClinVar:

NM_000135.4(FANCA):c.2759T>G (p.Leu920Trp)

Gene: FANCA (FA complementation group A; minus strand). Cytogenetic location: 16q24.3.
Variant type: single nucleotide variant.
Coding change: c.2759T>G on transcript NM_000135.4 (MANE Select); coding-DNA position 2759, T replaced by G.
Protein change: p.Leu920Trp; replaces leucine 920 with tryptophan.
Molecular consequence: missense variant.
Genome position (GRCh38, 1-based): chr16:89,764,909, A>C on the plus strand (T>G on the coding strand, the complement: FANCA is on the minus strand). VCF-style: chr16-89764909-A-C. GRCh37 (hg19) VCF-style: chr16-89831317-A-C.
Other names: c.2759T>G, p.Leu920Trp (NM_001286167.3); short protein forms L920W.
Identifiers: ClinVar variation 3512679 (VCV003512679.1).

ClinVar aggregate classification (germline): Uncertain significance (1 of 4 stars; one submission).

Conditions:
Inborn genetic diseases. Identifiers: MedGen C0950123, MeSH D030342.

Submission:

Ambry Genetics
Classification: Uncertain significance for Inborn genetic diseases. Last evaluated: 2024-11-26. Review status: criteria provided, single submitter. Criteria: Ambry Variant Classification Scheme 2023. Collection method: clinical testing. Allele origin: germline.
Comment: The p.L920W variant (also known as c.2759T>G), located in coding exon 28 of the FANCA gene, results from a T to G substitution at nucleotide position 2759. The leucine at codon 920 is replaced by tryptophan, an amino acid with similar properties. This amino acid position is conserved. In addition, the in silico prediction for this alteration is inconclusive. Based on the available evidence, the clinical significance of this variant remains unclear.